The following is an entry in ClinVar:

NM_001106.4(ACVR2B):c.1430G>A (p.Arg477Gln)

Gene: ACVR2B (activin A receptor type 2B; plus strand). Cytogenetic location: 3p22.2.
Variant type: single nucleotide variant.
Coding change: c.1430G>A on transcript NM_001106.4 (MANE Select); coding-DNA position 1430, G replaced by A.
Protein change: p.Arg477Gln; replaces arginine 477 with glutamine.
Molecular consequence: missense variant.
Genome position (GRCh38, 1-based): chr3:38,483,223, G>A. VCF-style: chr3-38483223-G-A. GRCh37 (hg19) VCF-style: chr3-38524714-G-A.
Other names: short protein forms R477Q.
Identifiers: ClinVar variation 4292400 (VCV004292400.1).

ClinVar aggregate classification (germline): Uncertain significance (1 of 4 stars; one submission).

Conditions:
Heterotaxy, visceral, 4, autosomal (HTX4). Identifiers: Orphanet 450, MedGen C3151057, MONDO:0013403, OMIM 613751.

gnomAD v4.1: 3 of 1,614,098 alleles (0.00019%); highest among the groups gnomAD compares: South Asian, 0.0011%; no homozygotes.

Submission:

3billion
Classification: Uncertain significance for Heterotaxy, visceral, 4, autosomal. Last evaluated: 2025-01-23. Review status: criteria provided, single submitter. Criteria: ACMG Guidelines, 2015. Collection method: clinical testing. Allele origin: germline. Affected: yes.
Comment: The variant is observed at an extremely low frequency in the gnomAD v4.1.0 dataset (total allele frequency: <0.001%). Predicted Consequence/Location: Missense variant. Missense changes are a common disease-causing mechanism. In silico tool predictions suggest damaging effect of the variant on gene or gene product [REVEL: 0.87 (>=0.6, sensitivity 0.68 and specificity 0.92)]. Therefore, this variant is classified as VUS according to the recommendation of ACMG/AMP guideline.